The following is an entry in ClinVar:

NM_001283009.2(RTEL1):c.3825C>T (p.Ala1275=)

Genes: RTEL1-TNFRSF6B (RTEL1-TNFRSF6B readthrough (NMD candidate); plus strand), RTEL1 (regulator of telomere elongation helicase 1; plus strand). Cytogenetic location: 20q13.33.
Variant type: single nucleotide variant.
Coding change: c.3825C>T on transcript NM_001283009.2 (MANE Select); coding-DNA position 3825, C replaced by T.
Protein change: p.Ala1275=; no amino-acid change (alanine 1275 retained).
Molecular consequence: synonymous variant. On other transcripts: non-coding transcript variant (1), missense variant (3).
Genome position (GRCh38, 1-based): chr20:63,695,780, C>T. VCF-style: chr20-63695780-C-T. GRCh37 (hg19) VCF-style: chr20-62327133-C-T.
Other names: c.2986C>T, p.Leu996Phe (NM_001283010.1); c.3655C>T, p.Leu1219Phe (NM_016434.4); c.3727C>T, p.Leu1243Phe (NM_032957.5); c.3727C>T (NM_032957.4); short protein forms L1219F, L1243F, L996F.
Identifiers: ClinVar variation 1572813 (VCV001572813.9), dbSNP rs775014813, ClinGen allele CA9966224.

ClinVar aggregate classification (germline): Conflicting classifications of pathogenicity. Review status: criteria provided, conflicting classifications (1 of 4 stars). 2 submissions from 2 submitters: Uncertain significance (1); Likely benign (1). Last evaluated 2026-05-28.

Conditions:
Pulmonary fibrosis and/or bone marrow failure, Telomere-related, 3. Also called: PULMONARY FIBROSIS AND/OR BONE MARROW FAILURE SYNDROME, TELOMERE-RELATED, 3. Identifiers: Orphanet 2032, MedGen C4225346, MONDO:0014613, OMIM 616373.
Dyskeratosis congenita, autosomal recessive 5 (DKCB5). Identifiers: MedGen C3554656, MONDO:0014076, OMIM 615190.
Inborn genetic diseases. Identifiers: MedGen C0950123, MeSH D030342.

Allele frequency attached by ClinVar (database versions not stated): ExAC 0.00002; TOPMed below 0.00001; gnomAD 0.00001; gnomAD exomes 0.00001.
gnomAD v4.1: 8 of 1,591,840 alleles (0.0005%); highest among the groups gnomAD compares: East Asian, 0.0023%; no homozygotes.

Submissions (2):

Ambry Genetics
Classification: Uncertain significance for Inborn genetic diseases. Last evaluated: 2026-05-28. Review status: criteria provided, single submitter. Criteria: Ambry Variant Classification Scheme 2023. Collection method: clinical testing. Allele origin: germline.
Comment: The p.L1243F variant (also known as c.3727C>T), located in coding exon 34 of the RTEL1 gene, results from a C to T substitution at nucleotide position 3727. The leucine at codon 1243 is replaced by phenylalanine, an amino acid with highly similar properties. This amino acid position is conserved. In addition, this alteration is predicted to be tolerated by in silico analysis. Based on the available evidence, the clinical significance of this variant remains unclear.

Labcorp Genetics (formerly Invitae), Labcorp
Classification: Likely benign for Dyskeratosis congenita, autosomal recessive 5; Pulmonary fibrosis and/or bone marrow failure, Telomere-related, 3. Last evaluated: 2025-12-23. Review status: criteria provided, single submitter. Criteria: Invitae Variant Classification Sherloc (09022015). Collection method: clinical testing. Allele origin: germline.